The following is an entry in ClinVar:

NM_032043.3(BRIP1):c.1066C>T (p.Arg356Ter)

Gene: BRIP1 (BRCA1 interacting DNA helicase 1; minus strand). Cytogenetic location: 17q23.2.
Variant type: single nucleotide variant.
Coding change: c.1066C>T on transcript NM_032043.3 (MANE Select); coding-DNA position 1066, C replaced by T.
Protein change: p.Arg356Ter; replaces arginine 356 with a stop codon.
Molecular consequence: nonsense.
Genome position (GRCh38, 1-based): chr17:61,801,327, G>A on the plus strand (C>T on the coding strand, the complement: BRIP1 is on the minus strand). VCF-style: chr17-61801327-G-A. GRCh37 (hg19) VCF-style: chr17-59878688-G-A.
Other names: p.R356*:CGA>TGA; short protein forms R356*.
Identifiers: ClinVar variation 182345 (VCV000182345.49), dbSNP rs730881633, ClinGen allele CA298869.

ClinVar aggregate classification (germline): Pathogenic/Likely pathogenic. Review status: criteria provided, multiple submitters, no conflicts (2 of 4 stars). 12 submissions from 12 submitters: Pathogenic (9); Likely pathogenic (2). 1 of the submissions does not count toward it. Last evaluated 2026-04-27.

Conditions:
Gastric cancer. Also called: Stomach cancer; Malignant tumor of stomach. Identifiers: MedGen C0024623, MeSH D013274, MONDO:0001056, OMIM 613659, HP:0012126.
Familial ovarian cancer. Identifiers: MedGen C5679802, MONDO:0016248.
Fanconi anemia complementation group J. Also called: BRIP1-Related Fanconi Anemia. Identifiers: Orphanet 84, MedGen C1836860, MONDO:0012187, OMIM 609054.
Familial cancer of breast. Also called: hereditary breast carcinoma; BREAST CANCER, FAMILIAL; Hereditary breast cancer. Identifiers: Orphanet 227535, MedGen C0346153, MONDO:0016419, OMIM 114480. Disease mechanism: loss of function.
Hereditary cancer-predisposing syndrome. Also called: Hereditary neoplastic syndrome; Neoplastic Syndromes, Hereditary; Tumor predisposition; Hereditary Cancer Syndrome. Identifiers: Orphanet 140162, MedGen C0027672, MeSH D009386, MONDO:0015356.
Hereditary breast ovarian cancer syndrome. Also called: BRCA1- and BRCA2-Associated Hereditary Breast and Ovarian Cancer; Hereditary breast and ovarian cancer syndrome; Hereditary breast and/or ovarian cancer syndrome; Hereditary breast and ovarian cancer; Hereditary breast and ovarian cancer syndrome (HBOC); Breast and ovarian cancer. Identifiers: Orphanet 145, MedGen C0677776, MeSH D061325, MONDO:0003582. Disease mechanism: loss of function.

Allele frequency attached by ClinVar (database versions not stated): gnomAD 0.00001; gnomAD exomes 0.00001.
gnomAD v4.1: 8 of 1,613,808 alleles (0.0005%); highest among the groups gnomAD compares: East Asian, 0.0045%; no homozygotes.

Submissions (12):

Hema, HEMA – Genetic and Molecular Diagnostic Laboratory
Classification: Likely pathogenic for Familial ovarian cancer. Last evaluated: 2026-04-27. Review status: criteria provided, single submitter. Criteria: HEMA Variant Classification Assertion Criteria. Collection method: clinical testing. Allele origin: germline.
Comment: The variant c.1066C>T p.(Arg356*) is a transition from cytosine to thymine that results in the substitution of arginine 356 by a premature stop codon. PVS1: Null variant (nonsense mutation) in a gene for which loss of function is a known disease mechanism. It is a nonsense variant that introduces a premature stop codon in exon 8/20, which is predicted to result in nonsense-mediated decay (NMD) of the transcript. PM2_Supporting: Present at very low frequency in the gnomAD v4.1.1 database.

Labcorp Genetics (formerly Invitae), Labcorp
Classification: Pathogenic for Familial cancer of breast; Fanconi anemia complementation group J. Last evaluated: 2025-08-11. Review status: criteria provided, single submitter. Criteria: Invitae Variant Classification Sherloc (09022015). Collection method: clinical testing. Allele origin: germline.
Comment: This sequence change creates a premature translational stop signal (p.Arg356*) in the BRIP1 gene. It is expected to result in an absent or disrupted protein product. Loss-of-function variants in BRIP1 are known to be pathogenic (PMID: 16116423, 17033622, 21964575). This variant is present in population databases (rs730881633, gnomAD 0.01%). This premature translational stop signal has been observed in individual(s) with breast cancer (PMID: 26681312, 28495237). ClinVar contains an entry for this variant (Variation ID: 182345). RNA analysis performed to evaluate the impact of this premature translational stop signal on mRNA splicing indicates it does not significantly alter splicing (internal data). For these reasons, this variant has been classified as Pathogenic.

Color Diagnostics, LLC DBA Color Health
Classification: Pathogenic for Hereditary cancer-predisposing syndrome. Last evaluated: 2025-02-18. Review status: criteria provided, single submitter. Criteria: ACMG Guidelines, 2015. Collection method: clinical testing. Allele origin: germline.
Comment: This variant changes 1 nucleotide in exon 8 of the BRIP1 gene, creating a premature translation stop signal. This variant is expected to result in an absent or non-functional protein product. This variant has been reported in individuals affected with breast and/or ovarian cancer (PMID: 26296696, 26681312, 28495237, 32566746). This variant has been identified in 3/282716 chromosomes in the general population by the Genome Aggregation Database (gnomAD). Loss of BRIP1 function is a known mechanism of disease. Based on the available evidence, this variant is classified as Pathogenic.

Molecular Pathology, Peter Maccallum Cancer Centre
Classification: Likely pathogenic for Familial ovarian cancer. Last evaluated: 2025-01-10. Review status: criteria provided, single submitter. Criteria: ACMG Guidelines, 2015. Collection method: clinical testing. Allele origin: germline. Inheritance: Autosomal dominant inheritance.

Ambry Genetics
Classification: Pathogenic for Hereditary cancer-predisposing syndrome. Last evaluated: 2024-11-19. Review status: criteria provided, single submitter. Criteria: Ambry Variant Classification Scheme 2023. Collection method: clinical testing. Allele origin: germline.
Comment: The p.R356* pathogenic mutation (also known as c.1066C>T), located in coding exon 7 of the BRIP1 gene, results from a C to T substitution at nucleotide position 1066. This changes the amino acid from an arginine to a stop codon within coding exon 7. This alteration has been identified in several individuals with a personal and/or family history of breast and/or ovarian cancer (Susswein LR et al. Genet. Med. 2016 Aug;18:823-32; Frey MK et al. Gynecol. Oncol. 2017 Jul;146:123-128; Park JS et al. BMC Cancer 2018 01;18(1):83; Wang J et al. Cancer Med, 2019 05;8:2074-2084; Kaneyasu T et al. NPJ Breast Cancer, 2020 Jun;6:25; Shao D et al. Cancer Sci, 2020 Feb;111:647-657). In addition to the clinical data presented in the literature, this alteration is expected to result in loss of function by premature protein truncation or nonsense-mediated mRNA decay. As such, this alteration is interpreted as a disease-causing mutation.

Baylor Genetics
Classification: Pathogenic for Familial cancer of breast. Last evaluated: 2023-10-16. Review status: criteria provided, single submitter. Criteria: ACMG Guidelines, 2015. Collection method: clinical testing. Allele origin: unknown.

Quest Diagnostics Nichols Institute San Juan Capistrano
Classification: Pathogenic. Last evaluated: 2023-06-30. Review status: criteria provided, single submitter. Criteria: Quest Diagnostics criteria. Collection method: clinical testing. Allele origin: unknown.
Comment: The BRIP1 c.1066C>T (p.Arg356*) variant is predicted to cause the premature termination of BRIP1 protein synthesis. This variant has been reported in the published literature in individuals with breast and/or ovarian cancer (PMIDs: 33471991 (2021) see also LOVD, 31742824 (2020), 32566746 (2020), 30982232 (2018), 29338689 (2018), 28888541 (2017), 28495237 (2017), 26681312 (2015)), pancreatic cancer (PMID: 35171259 (2022)), lung cancer (PMID: 35273153 (2022)), and astrocytomas (PMID: 34308104 (2021)). The frequency of this variant in the general population, 0.000011 (3/282716 chromosomes (Genome Aggregation Database)), is consistent with pathogenicity. Based on the available information, this variant is classified as pathogenic.

Myriad Genetics, Inc.
Classification: Pathogenic for Familial cancer of breast. Last evaluated: 2023-06-01. Review status: criteria provided, single submitter. Criteria: Myriad Autosomal Dominant, Autosomal Recessive and X-Linked Classification Criteria (2023). Collection method: clinical testing. Allele origin: unknown.
Comment: This variant is considered pathogenic. This variant creates a termination codon and is predicted to result in premature protein truncation.

Laboratory for Molecular Medicine, Mass General Brigham Personalized Medicine
Classification: Pathogenic for Hereditary breast ovarian cancer syndrome. Last evaluated: 2022-11-03. Review status: criteria provided, single submitter. Criteria: ACMG Guidelines, 2015. Collection method: clinical testing. Allele origin: germline.
Comment: The p.Arg356X variant in BRIP1 has been reported in > 4 individuals affected with breast and or ovarian cancer (selected references: Susswein 2016 PMID: 26681312, Frey 2017 PMID: 28495237, Kaneyasu 2020 PMID: 32566746, Shao 2020 PMID: 31742824, Park 2018 29338689) and in ClinVar (Variation ID 182345). It was identified in 1/5200 East Asian chromosomes by gnomAD. This nonsense variant leads to a premature termination codon at position 356, which is predicted to lead to a truncated or absent protein. Loss of function of the BRIP1 gene is an established disease mechanism in autosomal dominant breast and ovariant cancer. In summary, this variant meets criteria to be classified as pathogenic for autosomal dominant breast and ovarian cancer. ACMG/AMP Criteria applied: PVS1, PS4_Supporting, PM2_Supporting.

Cancer Genomics Group, Japanese Foundation For Cancer Research
Classification: Pathogenic for Hereditary breast and ovarian cancer syndrome. Last evaluated: 2019-05-01. Review status: criteria provided, single submitter. Criteria: ACMG Guidelines, 2015. Collection method: research. Allele origin: germline. Affected: yes.

GeneDx
Classification: Pathogenic. Last evaluated: 2019-04-19. Review status: criteria provided, single submitter. Criteria: GeneDx Variant Classification Process June 2021. Collection method: clinical testing. Allele origin: germline. Affected: yes.
Comment: Nonsense variant predicted to result in protein truncation or nonsense mediated decay in a gene for which loss-of-function is a known mechanism of disease; Not observed at a significant frequency in large population cohorts (Lek 2016); This variant is associated with the following publications: (PMID: 26681312, 26296696, 29338689, 32566746, 31742824)

Laboratory for Genotyping Development, RIKEN
Classification: Pathogenic for Gastric cancer. Last evaluated: 2021-07-01. Review status: no assertion criteria provided. Collection method: research. Allele origin: germline. Not counted in ClinVar's aggregate classification.

Literature cited by the submitters: PubMed 16116423 (cited by Labcorp Genetics (formerly Invitae), Labcorp); PubMed 17033622 (cited by Labcorp Genetics (formerly Invitae), Labcorp); PubMed 21964575 (cited by Labcorp Genetics (formerly Invitae), Labcorp); PubMed 26681312 (cited by 4 submitters); PubMed 28495237 (cited by 4 submitters); PubMed 26296696 (cited by Color Diagnostics, LLC DBA Color Health); PubMed 32566746 (cited by 3 submitters); PubMed 30982232 (cited by Ambry Genetics and Quest Diagnostics Nichols Institute San Juan Capistrano); PubMed 31742824 (cited by Ambry Genetics and Quest Diagnostics Nichols Institute San Juan Capistrano); PubMed 29338689 (cited by Quest Diagnostics Nichols Institute San Juan Capistrano); PubMed 29922827 (cited by Quest Diagnostics Nichols Institute San Juan Capistrano); PubMed 28888541 (cited by Quest Diagnostics Nichols Institute San Juan Capistrano); PubMed 33471991 (cited by Quest Diagnostics Nichols Institute San Juan Capistrano); PubMed 35171259 (cited by Quest Diagnostics Nichols Institute San Juan Capistrano); PubMed 35273153 (cited by Quest Diagnostics Nichols Institute San Juan Capistrano); PubMed 34308104 (cited by Quest Diagnostics Nichols Institute San Juan Capistrano); PubMed 36988593 (cited by Laboratory for Genotyping Development, RIKEN).